The following is an entry in ClinVar:

NM_001105206.3(LAMA4):c.5206+1G>A

Gene: LAMA4 (laminin subunit alpha 4; minus strand). Cytogenetic location: 6q21.
Variant type: single nucleotide variant.
Coding change: c.5206+1G>A on transcript NM_001105206.3 (MANE Select); the canonical splice donor site of the intron after coding-DNA position 5206, G replaced by A.
Molecular consequence: splice donor variant.
Genome position (GRCh38, 1-based): chr6:112,114,662, C>T on the plus strand (G>A on the coding strand, the complement: LAMA4 is on the minus strand). VCF-style: chr6-112114662-C-T. GRCh37 (hg19) VCF-style: chr6-112435865-C-T.
Other names: c.5185+1G>A (NM_002290.5, NM_001105207.3).
Identifiers: ClinVar variation 635222 (VCV000635222.21), dbSNP rs368035482, ClinGen allele CA3964796.
Genomic context (GRCh38, chr6:112,114,662, plus strand): 5'-CTGCCAGATCATAATCTTACAGTTGGGTGTGCAGGCTCCCCAGGGCAGTCAGTTTTCTCA[C>T]CTGTAATTCTGTGCCATCTGCCATCACAGAGACTCTGCTTGGGTGTAACTGAGGTGGAAA-3'

ClinVar aggregate classification (germline): Uncertain significance. Review status: criteria provided, multiple submitters, no conflicts (2 of 4 stars). 6 submissions from 6 submitters: Uncertain significance (6). Last evaluated 2025-08-13.

Conditions:
Dilated cardiomyopathy 1JJ (CMD1JJ). Identifiers: Orphanet 154, MedGen C3808935, MONDO:0014095, OMIM 615235.
Cardiovascular phenotype. Identifiers: MedGen CN230736.

Allele frequency attached by ClinVar (database versions not stated): ExAC 0.00002; gnomAD 0.00001; gnomAD exomes 0.00002 and 0.00003; ESP Exome Variant Server 0.00008.
gnomAD v4.1: 33 of 1,606,938 alleles (0.0021%); highest among the groups gnomAD compares: Non-Finnish European, 0.0027%; no homozygotes.

Submissions (6):

Labcorp Genetics (formerly Invitae), Labcorp
Classification: Uncertain significance for Dilated cardiomyopathy 1JJ. Last evaluated: 2025-08-13. Review status: criteria provided, single submitter. Criteria: Invitae Variant Classification Sherloc (09022015). Collection method: clinical testing. Allele origin: germline.
Comment: This sequence change affects a donor splice site in intron 37 of the LAMA4 gene. It is expected to disrupt RNA splicing. Variants that disrupt the donor or acceptor splice site typically lead to a loss of protein function (PMID: 16199547), however the current clinical and genetic evidence is not sufficient to establish whether loss-of-function variants in LAMA4 cause disease. This variant is present in population databases (rs368035482, gnomAD 0.005%). This variant has not been reported in the literature in individuals affected with LAMA4-related conditions. ClinVar contains an entry for this variant (Variation ID: 635222). Algorithms developed to predict the effect of sequence changes on RNA splicing suggest that this variant may disrupt the consensus splice site. In summary, the available evidence is currently insufficient to determine the role of this variant in disease. Therefore, it has been classified as a Variant of Uncertain Significance.

Ambry Genetics
Classification: Uncertain significance for Cardiovascular phenotype. Last evaluated: 2025-02-17. Review status: criteria provided, single submitter. Criteria: Ambry Variant Classification Scheme 2023. Collection method: clinical testing. Allele origin: germline.
Comment: The c.5185+1G>A intronic variant results from a G to A substitution one nucleotide after coding exon 36 of the LAMA4 gene. This nucleotide position is highly conserved in available vertebrate species. Alterations that disrupt the canonical splice site are expected to cause aberrant splicing, resulting in an abnormal protein or a transcript that is subject to nonsense-mediated mRNA decay. However, loss of function of LAMA4 has not been established as a mechanism of disease. The evidence for this gene-disease relationship is limited; therefore, the clinical significance of this alteration is unclear.

Institute of Human Genetics, University of Leipzig Medical Center
Classification: Uncertain significance for Dilated cardiomyopathy 1JJ. Last evaluated: 2022-02-01. Review status: criteria provided, single submitter. Criteria: ACMG Guidelines, 2015. Collection method: clinical testing. Allele origin: maternal. Inheritance: Autosomal dominant inheritance. Affected: yes.
Comment: Criteria applied: PVS1_SUP,PM2_SUP

Fulgent Genetics
Classification: Uncertain significance for Dilated cardiomyopathy 1JJ. Last evaluated: 2021-07-26. Review status: criteria provided, single submitter. Criteria: ACMG Guidelines, 2015. Collection method: clinical testing. Allele origin: unknown.

GeneDx
Classification: Uncertain significance. Last evaluated: 2019-12-17. Review status: criteria provided, single submitter. Criteria: GeneDx Variant Classification Process June 2021. Collection method: clinical testing. Allele origin: germline. Affected: yes.
Comment: Has not been previously published as pathogenic or benign to our knowledge; Canonical splice site variant in a gene for which loss-of-function is not a known mechanism of disease

Stanford Center for Inherited Cardiovascular Disease, Stanford University
Classification: Uncertain significance. Last evaluated: 2016-12-19. Review status: criteria provided, single submitter. Criteria: ACMG Guidelines, 2015. Collection method: provider interpretation. Allele origin: germline.

Literature cited by the submitters: PubMed 16199547 (cited by Labcorp Genetics (formerly Invitae), Labcorp).